The following is an entry in ClinVar:

NM_001387430.1(SH2B1):c.1546G>A (p.Gly516Ser)

Gene: SH2B1 (SH2B adaptor protein 1; plus strand). Cytogenetic location: 16p11.2.
Variant type: single nucleotide variant.
Coding change: c.1546G>A on transcript NM_001387430.1 (MANE Select); coding-DNA position 1546, G replaced by A.
Protein change: p.Gly516Ser; replaces glycine 516 with serine.
Molecular consequence: missense variant.
Genome position (GRCh38, 1-based): chr16:28,872,222, G>A. VCF-style: chr16-28872222-G-A. GRCh37 (hg19) VCF-style: chr16-28883543-G-A.
Other names: c.1546G>A, p.Gly516Ser (NM_001145795.2, NM_001145796.2, NM_001145797.2 and 4 more transcripts); c.538G>A, p.Gly180Ser (NM_001308294.2); c.1546G>A (NM_001145795.1); short protein forms G516S, G180S.
Identifiers: ClinVar variation 2160184 (VCV002160184.2), dbSNP rs756892017, ClinGen allele CA7986250.

ClinVar aggregate classification (germline): Uncertain significance. Review status: criteria provided, single submitter (1 of 4 stars). 2 submissions from 2 submitters: Uncertain significance (1). 1 of the submissions does not count toward it. Last evaluated 2022-01-03.

Conditions:
SH2B1-related disorder. Also called: SH2B1-related condition.

Allele frequency attached by ClinVar (database versions not stated): ExAC 0.00002; gnomAD exomes 0.00002; TOPMed 0.00003; gnomAD 0.00006.
gnomAD v4.1: 43 of 1,613,686 alleles (0.0027%); highest among the groups gnomAD compares: South Asian, 0.013%; 1 homozygote.

Submissions (2):

Labcorp Genetics (formerly Invitae), Labcorp
Classification: Uncertain significance. Last evaluated: 2022-01-03. Review status: criteria provided, single submitter. Criteria: Invitae Variant Classification Sherloc (09022015). Collection method: clinical testing. Allele origin: germline.
Comment: This sequence change replaces glycine, which is neutral and non-polar, with serine, which is neutral and polar, at codon 516 of the SH2B1 protein (p.Gly516Ser). This variant is present in population databases (rs756892017, gnomAD 0.01%). This missense change has been observed in individual(s) with obesity (PMID: 31439647). Algorithms developed to predict the effect of missense changes on protein structure and function output the following: SIFT: "Tolerated"; PolyPhen-2: "Benign"; Align-GVGD: "Class C0". The serine amino acid residue is found in multiple mammalian species, which suggests that this missense change does not adversely affect protein function. In summary, the available evidence is currently insufficient to determine the role of this variant in disease. Therefore, it has been classified as a Variant of Uncertain Significance.

PreventionGenetics, part of Exact Sciences
Classification: Uncertain significance for SH2B1-related condition. Last evaluated: 2024-06-08. Review status: no assertion criteria provided. Collection method: clinical testing. Allele origin: germline. Not counted in ClinVar's aggregate classification.
Comment: The SH2B1 c.1546G>A variant is predicted to result in the amino acid substitution p.Gly516Ser. This variant has been reported in a child with obesity (Flores et al. 2019. PubMed ID: 31439647). This variant is reported in 0.0098% of alleles in individuals of South Asian descent in gnomAD, including one homozygote. At this time, the clinical significance of this variant is uncertain due to the absence of conclusive functional and genetic evidence.

Literature cited by the submitters: PubMed 31439647 (cited by Labcorp Genetics (formerly Invitae), Labcorp).